The following is an entry in ClinVar:

ClinVar aggregate classification (germline): Uncertain significance (1 of 4 stars; one submission).

Conditions:
Distal hereditary motor neuropathy type 2. Identifiers: Orphanet 139525, MedGen C3711384, MeSH C580044, MONDO:0015352.

Allele frequency attached by ClinVar (database versions not stated): gnomAD 0.00001; gnomAD exomes 0.00001; TOPMed 0.00001; ESP Exome Variant Server 0.00008.
gnomAD v4.1: 9 of 1,613,890 alleles (0.00056%); highest among the groups gnomAD compares: South Asian, 0.0011%; no homozygotes.

Submission:

Labcorp Genetics (formerly Invitae), Labcorp
Classification: Uncertain significance for Distal hereditary motor neuropathy type 2. Last evaluated: 2024-07-31. Review status: criteria provided, single submitter. Criteria: Invitae Variant Classification Sherloc (09022015). Collection method: clinical testing. Allele origin: germline.
Comment: This sequence change replaces arginine, which is basic and polar, with glutamine, which is neutral and polar, at codon 965 of the FBXO38 protein (p.Arg965Gln). This variant is not present in population databases (gnomAD no frequency). This variant has not been reported in the literature in individuals affected with FBXO38-related conditions. An algorithm developed to predict the effect of missense changes on protein structure and function (PolyPhen-2) suggests that this variant is likely to be disruptive. In summary, the available evidence is currently insufficient to determine the role of this variant in disease. Therefore, it has been classified as a Variant of Uncertain Significance.

NM_205836.3(FBXO38):c.3119G>A (p.Arg1040Gln)

Gene: FBXO38 (F-box protein 38; plus strand). Cytogenetic location: 5q32.
Variant type: single nucleotide variant.
Coding change: c.3119G>A on transcript NM_205836.3 (MANE Select); coding-DNA position 3119, G replaced by A.
Protein change: p.Arg1040Gln; replaces arginine 1040 with glutamine.
Molecular consequence: missense variant.
Genome position (GRCh38, 1-based): chr5:148,439,741, G>A. VCF-style: chr5-148439741-G-A. GRCh37 (hg19) VCF-style: chr5-147819304-G-A.
Other names: c.2384G>A, p.Arg795Gln (NM_001271723.2); c.2894G>A, p.Arg965Gln (NM_030793.5); short protein forms R965Q, R1040Q, R795Q.
Identifiers: ClinVar variation 2886754 (VCV002886754.3), dbSNP rs373875135, ClinGen allele CA128956199.
Genomic context (GRCh38, chr5:148,439,741, plus strand): 5'-GTGGTCCCTACCCCTATCACATCTGTATTATCCATGAATTCAGTAACCCTCCCAATGTCC[G>A]GAATAAGGTGCGCATTCGCAGCTGGATGGACACTATAGCAAACATCAATCAGTAAGTAAC-3'
Protein context (NP_995308.1, residues 1030-1050): IHEFSNPPNV[Arg1040Gln]NKVRIRSWMD